The following is an entry in ClinVar:

ClinVar aggregate classification (germline): Likely benign (0 of 4 stars; one submission).

Conditions:
SDCCAG8-related disorder. Also called: SDCCAG8-Related Disorders; SDCCAG8-related condition.

Submission:

PreventionGenetics, part of Exact Sciences
Classification: Likely benign for SDCCAG8-related condition. Last evaluated: 2024-05-28. Review status: no assertion criteria provided. Collection method: clinical testing. Allele origin: germline.
Comment: This variant is classified as likely benign based on ACMG/AMP sequence variant interpretation guidelines (Richards et al. 2015 PMID: 25741868, with internal and published modifications).

NM_006642.5(SDCCAG8):c.1853+4G>A

Gene: SDCCAG8 (SHH signaling and ciliogenesis regulator SDCCAG8; plus strand). Cytogenetic location: 1q43.
Variant type: single nucleotide variant.
Coding change: c.1853+4G>A on transcript NM_006642.5 (MANE Select); 4 bases into the intron after coding-DNA position 1853, G replaced by A.
Molecular consequence: intron variant.
Genome position (GRCh38, 1-based): chr1:243,418,080, G>A. VCF-style: chr1-243418080-G-A. GRCh37 (hg19) VCF-style: chr1-243581382-G-A.
Other names: c.1559+4G>A (NM_001350249.2); c.950+4G>A (NM_001350251.2, NM_001350246.2, NM_001350247.2); c.1949+4G>A (NM_001350248.2).
Identifiers: ClinVar variation 3346676 (VCV003346676.1).